The following is an entry in ClinVar:

ClinVar aggregate classification (germline): Likely benign. Review status: criteria provided, multiple submitters, no conflicts (2 of 4 stars). 2 submissions from 2 submitters: Likely benign (2). Last evaluated 2026-03-01.

gnomAD v4.1: 481 of 1,603,030 alleles (0.03%); highest among the groups gnomAD compares: East Asian, 0.64%; 4 homozygotes.

Submissions (2):

CeGaT Center for Human Genetics Tuebingen
Classification: Likely benign. Last evaluated: 2026-03-01. Review status: criteria provided, single submitter. Criteria: CeGaT Center For Human Genetics Tuebingen Variant Classification Criteria Version 2. Collection method: clinical testing. Allele origin: germline. Affected: yes. Observed: 2 variant alleles.
Comment: FDXR: BS2

Blueprint Genetics
Classification: Likely benign. Last evaluated: 2024-11-13. Review status: criteria provided, single submitter. Criteria: ACMG Guidelines, 2015. Collection method: clinical testing. Allele origin: germline.

NM_024417.5(FDXR):c.901C>T (p.Arg301Cys)

Gene: FDXR (ferredoxin reductase; minus strand). Cytogenetic location: 17q25.1.
Variant type: single nucleotide variant.
Coding change: c.901C>T on transcript NM_024417.5 (MANE Select); coding-DNA position 901, C replaced by T.
Protein change: p.Arg301Cys; replaces arginine 301 with cysteine.
Molecular consequence: missense variant. On other transcripts: non-coding transcript variant (1).
Genome position (GRCh38, 1-based): chr17:74,864,249, G>A on the plus strand (C>T on the coding strand, the complement: FDXR is on the minus strand). VCF-style: chr17-74864249-G-A. GRCh37 (hg19) VCF-style: chr17-72860371-G-A.
Other names: c.1030C>T, p.Arg344Cys (NM_001258012.4); c.994C>T, p.Arg332Cys (NM_001258013.4); c.877C>T, p.Arg293Cys (NM_001258014.4); c.781C>T, p.Arg261Cys (NM_001258015.3); c.745C>T, p.Arg249Cys (NM_001258016.3); c.919C>T, p.Arg307Cys (NM_004110.6); short protein forms R249C, R261C, R293C, R301C, R307C, R332C, R344C.
Identifiers: ClinVar variation 4821281 (VCV004821281.5).